The following is an entry in ClinVar:

NM_000535.7(PMS2):c.2275+5G>C

Gene: PMS2 (PMS1 homolog 2, mismatch repair system component; minus strand). Cytogenetic location: 7p22.1.
Variant type: single nucleotide variant.
Coding change: c.2275+5G>C on transcript NM_000535.7 (MANE Select); 5 bases into the intron after coding-DNA position 2275, G replaced by C.
Molecular consequence: intron variant.
Genome position (GRCh38, 1-based): chr7:5,978,591, C>G on the plus strand (G>C on the coding strand, the complement: PMS2 is on the minus strand). VCF-style: chr7-5978591-C-G. GRCh37 (hg19) VCF-style: chr7-6018222-C-G.
Other names: c.1957+5G>C (NM_001322008.2, NM_001322007.2); c.1714+5G>C (NM_001322010.2); c.1870+5G>C (NM_001322004.2, NM_001322003.2, NM_001322009.2 and 1 more transcripts); c.1702+5G>C (NM_001322013.2); c.1342+5G>C (NM_001322012.2, NM_001322011.2); c.1966+5G>C (NM_001322015.2); c.2119+5G>C (NM_001322006.2); c.2275+5G>C (NM_001322014.2).
Identifiers: ClinVar variation 645641 (VCV000645641.5), dbSNP rs1583285249, ClinGen allele CA915944854.

ClinVar aggregate classification (germline): Uncertain significance (1 of 4 stars; one submission).

Conditions:
Hereditary nonpolyposis colorectal neoplasms. Identifiers: MedGen C0009405, MeSH D003123.

Submission:

Labcorp Genetics (formerly Invitae), Labcorp
Classification: Uncertain significance for Hereditary nonpolyposis colorectal neoplasms. Last evaluated: 2018-10-11. Review status: criteria provided, single submitter. Criteria: Invitae Variant Classification Sherloc (09022015). Collection method: clinical testing. Allele origin: germline.
Comment: The frequency data for this variant in the population databases (ExAC) is considered unreliable due to the presence of homologous sequence, such as pseudogenes or paralogs, in the genome. In summary, the available evidence is currently insufficient to determine the role of this variant in disease. Therefore, it has been classified as a Variant of Uncertain Significance. Nucleotide substitutions within the consensus splice site are a relatively common cause of aberrant splicing (PMID: 17576681, 9536098). Algorithms developed to predict the effect of sequence changes on RNA splicing suggest that this variant may disrupt the consensus splice site, but this prediction has not been confirmed by published transcriptional studies. This variant has not been reported in the literature in individuals with PMS2-related disease. This sequence change falls in intron 13 of the PMS2 gene. It does not directly change the encoded amino acid sequence of the PMS2 protein, but it affects a nucleotide within the consensus splice site of the intron.

Literature cited by the submitters: PubMed 17576681; PubMed 9536098.